The following is an entry in ClinVar:

ClinVar aggregate classification (germline): Benign/Likely benign. Review status: criteria provided, multiple submitters, no conflicts (2 of 4 stars). 4 submissions from 4 submitters: Benign (1); Likely benign (3). Last evaluated 2025-11-26.

Conditions:
Developmental and epileptic encephalopathy, 1 (DEE1). Also called: Epileptic encephalopathy, early infantile, 1; X-linked infantile spasms; West's syndrome; Tonic spasms with clustering, arrest of psychomotor development and hypsarrhythmia on EEG; X-Linked Infantile Spasm Syndrome; OHTAHARA SYNDROME, X-LINKED. Identifiers: MedGen C3463992, MONDO:0010632, OMIM 308350. Disease mechanism: loss of function.
Autosomal recessive spinocerebellar ataxia 12. Also called: SPINOCEREBELLAR ATAXIA WITH MENTAL RETARDATION AND EPILEPSY. Identifiers: Orphanet 284282, MedGen C3280452, MONDO:0013687, OMIM 614322.

Allele frequency attached by ClinVar (database versions not stated): gnomAD 0.00002 and 0.00006; TOPMed 0.00003; gnomAD exomes 0.00014; ExAC 0.00015; 1000 Genomes Project 30x 0.00094; 1000 Genomes Project 0.00100.
gnomAD v4.1: 111 of 1,614,214 alleles (0.0069%); highest among the groups gnomAD compares: South Asian, 0.098%; no homozygotes.

Submissions (4):

Labcorp Genetics (formerly Invitae), Labcorp
Classification: Likely benign for Developmental and epileptic encephalopathy, 1; Autosomal recessive spinocerebellar ataxia 12. Last evaluated: 2025-11-26. Review status: criteria provided, single submitter. Criteria: Invitae Variant Classification Sherloc (09022015). Collection method: clinical testing. Allele origin: germline.

Athena Diagnostics
Classification: Benign. Last evaluated: 2025-09-30. Review status: criteria provided, single submitter. Criteria: Athena Diagnostics Criteria. Collection method: clinical testing. Allele origin: unknown.
Comment: The frequency of this variant in the general population is higher than would generally be expected for pathogenic variants in this gene. Computational tools yielded predictions that this variant is unlikely to have an effect on normal RNA splicing. This nucleotide position exhibits low evolutionary conservation.

CeGaT Center for Human Genetics Tuebingen
Classification: Likely benign. Last evaluated: 2025-06-01. Review status: criteria provided, single submitter. Criteria: CeGaT Center For Human Genetics Tuebingen Variant Classification Criteria Version 2. Collection method: clinical testing. Allele origin: germline. Affected: yes. Observed: 1 variant allele.
Comment: WWOX: BP4, BP7

GeneDx
Classification: Likely benign. Last evaluated: 2020-04-06. Review status: criteria provided, single submitter. Criteria: GeneDx Variant Classification Process June 2021. Collection method: clinical testing. Allele origin: germline. Affected: yes.

NM_016373.4(WWOX):c.942C>T (p.Arg314=)

Gene: WWOX (WW domain containing oxidoreductase; plus strand). Cytogenetic location: 16q23.1.
Variant type: single nucleotide variant.
Coding change: c.942C>T on transcript NM_016373.4 (MANE Select); coding-DNA position 942, C replaced by T.
Protein change: p.Arg314=; no amino-acid change (arginine 314 retained).
Molecular consequence: synonymous variant.
Genome position (GRCh38, 1-based): chr16:78,432,638, C>T. VCF-style: chr16-78432638-C-T. GRCh37 (hg19) VCF-style: chr16-78466535-C-T.
Other names: c.603C>T, p.Arg201= (NM_001291997.2).
Identifiers: ClinVar variation 682401 (VCV000682401.21), dbSNP rs568012503, ClinGen allele CA8183568.